The following is an entry in ClinVar:

ClinVar aggregate classification (germline): Uncertain significance (1 of 4 stars; one submission).

Allele frequency attached by ClinVar (database versions not stated): gnomAD exomes below 0.00001; TOPMed 0.00001.
gnomAD v4.1: 1 of 1,614,222 alleles (0.000062%); highest among the groups gnomAD compares: East Asian, 0.0022%; no homozygotes.

Submission:

Labcorp Genetics (formerly Invitae), Labcorp
Classification: Uncertain significance. Last evaluated: 2024-04-24. Review status: criteria provided, single submitter. Criteria: Invitae Variant Classification Sherloc (09022015). Collection method: clinical testing. Allele origin: germline.
Comment: This sequence change replaces arginine, which is basic and polar, with glutamine, which is neutral and polar, at codon 2659 of the KMT2A protein (p.Arg2659Gln). This variant is present in population databases (no rsID available, gnomAD 0.006%). This variant has not been reported in the literature in individuals affected with KMT2A-related conditions. ClinVar contains an entry for this variant (Variation ID: 1992812). Advanced modeling of protein sequence and biophysical properties (such as structural, functional, and spatial information, amino acid conservation, physicochemical variation, residue mobility, and thermodynamic stability) has been performed at Invitae for this missense variant, however the output from this modeling did not meet the statistical confidence thresholds required to predict the impact of this variant on KMT2A protein function. In summary, the available evidence is currently insufficient to determine the role of this variant in disease. Therefore, it has been classified as a Variant of Uncertain Significance.

NM_001197104.2(KMT2A):c.7976G>A (p.Arg2659Gln)

Gene: KMT2A (lysine methyltransferase 2A; plus strand). Cytogenetic location: 11q23.3.
Variant type: single nucleotide variant.
Coding change: c.7976G>A on transcript NM_001197104.2 (MANE Select); coding-DNA position 7976, G replaced by A.
Protein change: p.Arg2659Gln; replaces arginine 2659 with glutamine.
Molecular consequence: missense variant.
Genome position (GRCh38, 1-based): chr11:118,503,868, G>A. VCF-style: chr11-118503868-G-A. GRCh37 (hg19) VCF-style: chr11-118374583-G-A.
Other names: c.8066G>A, p.Arg2689Gln (NM_001412597.1); c.7967G>A, p.Arg2656Gln (NM_005933.4); short protein forms R2659Q, R2689Q, R2656Q.
Identifiers: ClinVar variation 1992812 (VCV001992812.4), dbSNP rs1390104203, ClinGen allele CA382808072.
Genomic context (GRCh38, chr11:118,503,868, plus strand): 5'-GAGTAAGATCCTATGGTGAAGAAGACATTCCATTCTACAGCAGCTCAACTGGGAAGAAGC[G>A]AGGCAAGAGATCAGCTGAAGGACAGGTGGATGGGGCCGATGACTTAAGCACTTCAGATGA-3'
Protein context (NP_001184033.1, residues 2649-2669): PFYSSSTGKK[Arg2659Gln]GKRSAEGQVD